The following is an entry in ClinVar:

ClinVar aggregate classification (germline): Uncertain significance (1 of 4 stars; one submission).

Conditions:
LAMA2-related muscular dystrophy (LAMA2-RD). Also called: Laminin alpha 2-related dystrophy. Identifiers: MedGen C5679788, MONDO:0100228.

Submission:

Labcorp Genetics (formerly Invitae), Labcorp
Classification: Uncertain significance for LAMA2-related muscular dystrophy. Last evaluated: 2022-02-28. Review status: criteria provided, single submitter. Criteria: Invitae Variant Classification Sherloc (09022015). Collection method: clinical testing. Allele origin: germline.
Comment: This variant is not present in population databases (gnomAD no frequency). This sequence change replaces serine, which is neutral and polar, with phenylalanine, which is neutral and non-polar, at codon 2672 of the LAMA2 protein (p.Ser2672Phe). In summary, the available evidence is currently insufficient to determine the role of this variant in disease. Therefore, it has been classified as a Variant of Uncertain Significance. Advanced modeling of protein sequence and biophysical properties (such as structural, functional, and spatial information, amino acid conservation, physicochemical variation, residue mobility, and thermodynamic stability) performed at Invitae indicates that this missense variant is not expected to disrupt LAMA2 protein function. This variant has not been reported in the literature in individuals affected with LAMA2-related conditions.

NM_000426.4(LAMA2):c.8015C>T (p.Ser2672Phe)

Gene: LAMA2 (laminin subunit alpha 2; plus strand). Cytogenetic location: 6q22.33.
Variant type: single nucleotide variant.
Coding change: c.8015C>T on transcript NM_000426.4 (MANE Select); coding-DNA position 8015, C replaced by T.
Protein change: p.Ser2672Phe; replaces serine 2672 with phenylalanine.
Molecular consequence: missense variant.
Genome position (GRCh38, 1-based): chr6:129,492,017, C>T. VCF-style: chr6-129492017-C-T. GRCh37 (hg19) VCF-style: chr6-129813162-C-T.
Other names: c.8003C>T, p.Ser2668Phe (NM_001079823.2); short protein forms S2668F, S2672F.
Identifiers: ClinVar variation 2102312 (VCV002102312.4), dbSNP rs2533504324, ClinGen allele CA365630853.